The following is an entry in ClinVar:

ClinVar aggregate classification (germline): Pathogenic (1 of 4 stars; one submission).

Submission:

Labcorp Genetics (formerly Invitae), Labcorp
Classification: Pathogenic. Last evaluated: 2022-05-12. Review status: criteria provided, single submitter. Criteria: Invitae Variant Classification Sherloc (09022015). Collection method: clinical testing. Allele origin: germline.
Comment: For these reasons, this variant has been classified as Pathogenic. Algorithms developed to predict the effect of sequence changes on RNA splicing suggest that this variant may disrupt the consensus splice site. This variant has not been reported in the literature in individuals affected with COL7A1-related conditions. This variant is not present in population databases (gnomAD no frequency). This sequence change creates a premature translational stop signal (p.Arg28Serfs*10) in the COL7A1 gene. It is expected to result in an absent or disrupted protein product. Loss-of-function variants in COL7A1 are known to be pathogenic (PMID: 16971478).

Literature cited by the submitters: PubMed 16971478.

NM_000094.4(COL7A1):c.84_85del (p.Arg28fs)

Gene: COL7A1 (collagen type VII alpha 1 chain; minus strand). Cytogenetic location: 3p21.31.
Variant type: Microsatellite.
Coding change: c.84_85del on transcript NM_000094.4 (MANE Select); coding-DNA positions 84 to 85, 2 bases deleted (AG; older notation c.84_85delAG).
Protein change: p.Arg28fs; shifts the reading frame from arginine 28.
Molecular consequence: frameshift variant.
Genome position (GRCh38, 1-based): chr3:48,595,075-48,595,076, CT deleted on the plus strand (AG on the coding strand, the reverse complement: COL7A1 is on the minus strand); deleting any 2 consecutive bases within chr3:48,595,075-48,595,081 gives the same sequence; the c. name uses the placement nearest the transcript's 3' end. VCF-style (leftmost placement, unchanged base first): chr3-48595074-CCT-C. GRCh37 (hg19) VCF-style: chr3-48632507-CCT-C.
Other names: short protein forms R28fs.
Identifiers: ClinVar variation 2134010 (VCV002134010.4), dbSNP rs1179199637, ClinGen allele CA907760812.